The following is an entry in ClinVar:

ClinVar aggregate classification (germline): Uncertain significance. Review status: criteria provided, multiple submitters, no conflicts (2 of 4 stars). 2 submissions from 2 submitters: Uncertain significance (2). Last evaluated 2021-05-08.

Conditions:
Inborn genetic diseases. Identifiers: MedGen C0950123, MeSH D030342.

Allele frequency attached by ClinVar (database versions not stated): TOPMed below 0.00001; gnomAD exomes 0.00001; ExAC 0.00002; ESP Exome Variant Server 0.00008.
gnomAD v4.1: 5 of 1,611,214 alleles (0.00031%); highest among the groups gnomAD compares: Admixed American, 0.0017%; no homozygotes.

Submissions (2):

Labcorp Genetics (formerly Invitae), Labcorp
Classification: Uncertain significance. Last evaluated: 2021-05-08. Review status: criteria provided, single submitter. Criteria: Invitae Variant Classification Sherloc (09022015). Collection method: clinical testing. Allele origin: germline.
Comment: This sequence change replaces arginine with glutamine at codon 1211 of the TUBGCP6 protein (p.Arg1211Gln). The arginine residue is moderately conserved and there is a small physicochemical difference between arginine and glutamine. This variant is present in population databases (rs370735400, ExAC 0.003%). This variant has not been reported in the literature in individuals with TUBGCP6-related conditions. Algorithms developed to predict the effect of missense changes on protein structure and function output the following: SIFT: "Tolerated"; PolyPhen-2: "Benign"; Align-GVGD: "Class C0". The glutamine amino acid residue is found in multiple mammalian species, suggesting that this missense change does not adversely affect protein function. These predictions have not been confirmed by published functional studies and their clinical significance is uncertain. Algorithms developed to predict the effect of sequence changes on RNA splicing suggest that this variant may create or strengthen a splice site, but this prediction has not been confirmed by published transcriptional studies. In summary, the available evidence is currently insufficient to determine the role of this variant in disease. Therefore, it has been classified as a Variant of Uncertain Significance.

Ambry Genetics
Classification: Uncertain significance for Inborn genetic diseases. Last evaluated: 2021-01-08. Review status: criteria provided, single submitter. Criteria: Ambry Variant Classification Scheme 2023. Collection method: clinical testing. Allele origin: germline.

NM_020461.4(TUBGCP6):c.3632G>A (p.Arg1211Gln)

Gene: TUBGCP6 (tubulin gamma complex component 6; minus strand). Cytogenetic location: 22q13.33.
Variant type: single nucleotide variant.
Coding change: c.3632G>A on transcript NM_020461.4 (MANE Select); coding-DNA position 3632, G replaced by A.
Protein change: p.Arg1211Gln; replaces arginine 1211 with glutamine.
Molecular consequence: missense variant.
Genome position (GRCh38, 1-based): chr22:50,220,727, C>T on the plus strand (G>A on the coding strand, the complement: TUBGCP6 is on the minus strand). VCF-style: chr22-50220727-C-T. GRCh37 (hg19) VCF-style: chr22-50659156-C-T.
Other names: c.3632G>A (NM_020461.3); short protein forms R1211Q.
Identifiers: ClinVar variation 1366624 (VCV001366624.9), dbSNP rs370735400, ClinGen allele CA10307877.